The following is an entry in ClinVar:

ClinVar aggregate classification (germline): Benign (1 of 4 stars; one submission).

Allele frequency attached by ClinVar (database versions not stated): 1000 Genomes Project 0.51238; 1000 Genomes Project 30x 0.51562; gnomAD 0.55528 and 0.55584; TOPMed 0.55803.
gnomAD v4.1: 84,623 of 151,932 alleles (56%); highest among the groups gnomAD compares: South Asian, 63%; 24,154 homozygotes.

Submission:

GeneDx
Classification: Benign. Last evaluated: 2018-06-18. Review status: criteria provided, single submitter. Criteria: GeneDx Variant Classification (06012015). Collection method: clinical testing. Allele origin: germline. Affected: yes.
Comment: This variant is considered likely benign or benign based on one or more of the following criteria: it is a conservative change, it occurs at a poorly conserved position in the protein, it is predicted to be benign by multiple in silico algorithms, and/or has population frequency not consistent with disease.

NM_001018116.2(CAVIN4):c.408+181G>A

Gene: CAVIN4 (caveolae associated protein 4; plus strand). Cytogenetic location: 9q31.1.
Variant type: single nucleotide variant.
Coding change: c.408+181G>A on transcript NM_001018116.2 (MANE Select); 181 bases into the intron after coding-DNA position 408, G replaced by A.
Molecular consequence: intron variant.
Genome position (GRCh38, 1-based): chr9:100,578,732, G>A. VCF-style: chr9-100578732-G-A. GRCh37 (hg19) VCF-style: chr9-103341014-G-A.
Identifiers: ClinVar variation 674703 (VCV000674703.1), dbSNP rs1226588, ClinGen allele CA13099686.
Genomic context (GRCh38, chr9:100,578,732, plus strand): 5'-GTTCTGTATTAGCAGCAATCTCAGGATAAAACCATTTCTCTGTTAACCAAAGTACTATCT[G>A]TCATTTCGGTATTTTGAGCTTCTCAACCATTTCATGTAATATGAACTGTGGCTCATAGCT-3'